The following is an entry in ClinVar:

ClinVar aggregate classification (germline): Likely benign (1 of 4 stars; one submission).

gnomAD v4.1: 88 of 1,612,004 alleles (0.0055%); highest among the groups gnomAD compares: African/African-American, 0.081%; no homozygotes.

Submission:

CeGaT Center for Human Genetics Tuebingen
Classification: Likely benign. Last evaluated: 2025-01-01. Review status: criteria provided, single submitter. Criteria: CeGaT Center For Human Genetics Tuebingen Variant Classification Criteria Version 2. Collection method: clinical testing. Allele origin: germline. Affected: yes. Observed: 1 variant allele.
Comment: TPSG1: BP4, BP7

NM_012467.4(TPSG1):c.417C>T (p.Ser139=)

Gene: TPSG1 (tryptase gamma 1; minus strand). Cytogenetic location: 16p13.3.
Variant type: single nucleotide variant.
Coding change: c.417C>T on transcript NM_012467.4 (MANE Select); coding-DNA position 417, C replaced by T.
Protein change: p.Ser139=; no amino-acid change (serine 139 retained).
Molecular consequence: synonymous variant.
Genome position (GRCh38, 1-based): chr16:1,222,746, G>A on the plus strand (C>T on the coding strand, the complement: TPSG1 is on the minus strand). VCF-style: chr16-1222746-G-A. GRCh37 (hg19) VCF-style: chr16-1272746-G-A.
Identifiers: ClinVar variation 3771563 (VCV003771563.13).